The following is an entry in ClinVar:

NM_000169.3(GLA):c.638A>C (p.Lys213Thr)

Genes: GLA (galactosidase alpha; minus strand), RPL36A-HNRNPH2 (RPL36A-HNRNPH2 readthrough; plus strand). Cytogenetic location: Xq22.1.
Variant type: single nucleotide variant.
Coding change: c.638A>C on transcript NM_000169.3 (MANE Select); coding-DNA position 638, A replaced by C.
Protein change: p.Lys213Thr; replaces lysine 213 with threonine.
Molecular consequence: missense variant. On other transcripts: non-coding transcript variant (2), intron variant (2).
Genome position (GRCh38, 1-based): chrX:101,400,667, T>G on the plus strand (A>C on the coding strand, the complement: GLA is on the minus strand). VCF-style: chrX-101400667-T-G. GRCh37 (hg19) VCF-style: chrX-100655655-T-G.
Other names: c.761A>C, p.Lys254Thr (NM_001406747.1); c.638A>C, p.Lys213Thr (NM_001406748.1); c.300+5210T>G (NM_001199973.2); c.177+8845T>G (NM_001199974.2); short protein forms K213T, K254T.
Identifiers: ClinVar variation 1377665 (VCV001377665.6), dbSNP rs869312149, ClinGen allele CA413927051.

ClinVar aggregate classification (germline): Uncertain significance (1 of 4 stars; one submission).

Conditions:
Fabry disease. Also called: Fabry's disease; ALPHA-GALACTOSIDASE A DEFICIENCY; ANDERSON-FABRY DISEASE; CERAMIDE TRIHEXOSIDASE DEFICIENCY; GLA DEFICIENCY; HEREDITARY DYSTOPIC LIPIDOSIS. Identifiers: Orphanet 324, MedGen C0002986, MONDO:0010526, OMIM 301500, HP:0001071. Disease mechanism: Fabry disease is due to inactivating mutations in the X-linked GLA gene resulting in deficiency of the enzyme Alpha Galactosidase-A., loss of function.

Submission:

Labcorp Genetics (formerly Invitae), Labcorp
Classification: Uncertain significance for Fabry disease. Last evaluated: 2021-08-26. Review status: criteria provided, single submitter. Criteria: Invitae Variant Classification Sherloc (09022015). Collection method: clinical testing. Allele origin: germline.
Comment: This variant is not present in population databases (ExAC no frequency). This variant has not been reported in the literature in individuals affected with GLA-related conditions. Algorithms developed to predict the effect of missense changes on protein structure and function are either unavailable or do not agree on the potential impact of this missense change (SIFT: "Tolerated"; PolyPhen-2: "Possibly Damaging"; Align-GVGD: "Class C0"). In summary, the available evidence is currently insufficient to determine the role of this variant in disease. Therefore, it has been classified as a Variant of Uncertain Significance. This sequence change replaces lysine with threonine at codon 213 of the GLA protein (p.Lys213Thr). The lysine residue is moderately conserved and there is a moderate physicochemical difference between lysine and threonine.